The following is an entry in ClinVar:

NM_020693.4(DSCAML1):c.2961T>A (p.Asp987Glu)

Gene: DSCAML1 (DS cell adhesion molecule like 1; minus strand). Cytogenetic location: 11q23.3.
Variant type: single nucleotide variant.
Coding change: c.2961T>A on transcript NM_020693.4 (MANE Select); coding-DNA position 2961, T replaced by A.
Protein change: p.Asp987Glu; replaces aspartic acid 987 with glutamic acid.
Molecular consequence: missense variant.
Genome position (GRCh38, 1-based): chr11:117,469,973, A>T on the plus strand (T>A on the coding strand, the complement: DSCAML1 is on the minus strand). VCF-style: chr11-117469973-A-T. GRCh37 (hg19) VCF-style: chr11-117340689-A-T.
Other names: short protein forms D987E.
Identifiers: ClinVar variation 2019230 (VCV002019230.4), dbSNP rs756698124, ClinGen allele CA382742185.

ClinVar aggregate classification (germline): Uncertain significance (1 of 4 stars; one submission).

Allele frequency attached by ClinVar (database versions not stated): gnomAD exomes below 0.00001; TOPMed below 0.00001.
gnomAD v4.1: 1 of 1,604,842 alleles (0.000062%); highest among the groups gnomAD compares: Non-Finnish European, 0.000085%; no homozygotes.

Submission:

Labcorp Genetics (formerly Invitae), Labcorp
Classification: Uncertain significance. Last evaluated: 2022-07-23. Review status: criteria provided, single submitter. Criteria: Invitae Variant Classification Sherloc (09022015). Collection method: clinical testing. Allele origin: germline.
Comment: In summary, the available evidence is currently insufficient to determine the role of this variant in disease. Therefore, it has been classified as a Variant of Uncertain Significance. Algorithms developed to predict the effect of missense changes on protein structure and function are either unavailable or do not agree on the potential impact of this missense change (SIFT: "Deleterious"; PolyPhen-2: "Benign"; Align-GVGD: "Class C35"). This variant has not been reported in the literature in individuals affected with DSCAML1-related conditions. This variant is not present in population databases (gnomAD no frequency). This sequence change replaces aspartic acid, which is acidic and polar, with glutamic acid, which is acidic and polar, at codon 1047 of the DSCAML1 protein (p.Asp1047Glu).